The following is an entry in ClinVar:

ClinVar aggregate classification (germline): Uncertain significance. Review status: criteria provided, multiple submitters, no conflicts (2 of 4 stars). 2 submissions from 2 submitters: Uncertain significance (2). Last evaluated 2025-08-06.

Conditions:
Inborn genetic diseases. Identifiers: MedGen C0950123, MeSH D030342.
Nemaline myopathy 8 (NEM8). Also called: Nemaline myopathy 8, autosomal recessive. Identifiers: Orphanet 171430, MedGen C3809209, MONDO:0014138, OMIM 615348.

Allele frequency attached by ClinVar (database versions not stated): TOPMed 0.00002; gnomAD 0.00004.

Submissions (2):

Ambry Genetics
Classification: Uncertain significance for Inborn genetic diseases. Last evaluated: 2025-08-06. Review status: criteria provided, single submitter. Criteria: Ambry Variant Classification Scheme 2023. Collection method: clinical testing. Allele origin: germline.

Labcorp Genetics (formerly Invitae), Labcorp
Classification: Uncertain significance for Nemaline myopathy 8. Last evaluated: 2022-07-19. Review status: criteria provided, single submitter. Criteria: Invitae Variant Classification Sherloc (09022015). Collection method: clinical testing. Allele origin: germline.
Comment: This sequence change replaces leucine, which is neutral and non-polar, with phenylalanine, which is neutral and non-polar, at codon 502 of the KLHL40 protein (p.Leu502Phe). This variant is present in population databases (rs766195312, gnomAD 0.003%). This variant has not been reported in the literature in individuals affected with KLHL40-related conditions. ClinVar contains an entry for this variant (Variation ID: 936703). Algorithms developed to predict the effect of missense changes on protein structure and function are either unavailable or do not agree on the potential impact of this missense change (SIFT: "Deleterious"; PolyPhen-2: "Probably Damaging"; Align-GVGD: "Class C0"). In summary, the available evidence is currently insufficient to determine the role of this variant in disease. Therefore, it has been classified as a Variant of Uncertain Significance.

NM_152393.4(KLHL40):c.1504C>T (p.Leu502Phe)

Gene: KLHL40 (kelch like family member 40; plus strand). Cytogenetic location: 3p22.1.
Variant type: single nucleotide variant.
Coding change: c.1504C>T on transcript NM_152393.4 (MANE Select); coding-DNA position 1504, C replaced by T.
Protein change: p.Leu502Phe; replaces leucine 502 with phenylalanine.
Molecular consequence: missense variant.
Genome position (GRCh38, 1-based): chr3:42,688,951, C>T. VCF-style: chr3-42688951-C-T. GRCh37 (hg19) VCF-style: chr3-42730443-C-T.
Other names: c.1504C>T (NM_152393.2); short protein forms L502F.
Identifiers: ClinVar variation 936703 (VCV000936703.5), dbSNP rs766195312, ClinGen allele CA2336994.